The following is an entry in ClinVar:

ClinVar aggregate classification (germline): Uncertain significance. Review status: criteria provided, multiple submitters, no conflicts (2 of 4 stars). 2 submissions from 2 submitters: Uncertain significance (2). Last evaluated 2025-06-25.

Conditions:
Familial adenomatous polyposis 1 (FAP1). Also called: FAMILIAL ADENOMATOUS POLYPOSIS 1, ATTENUATED; POLYPOSIS, ADENOMATOUS INTESTINAL. Identifiers: MedGen C2713442, MONDO:0021056, OMIM 175100. Disease mechanism: loss of function.
Colorectal cancer. Also called: Colorectal cancer, somatic; Malignant Colorectal Neoplasm. Identifiers: MedGen C0346629, MONDO:0005575, OMIM 114500.
Gastric adenocarcinoma and proximal polyposis of the stomach (GAPPS). Also called: Polyposis, gastric, Dos Santos and de Magalhaes 1980; POLYPOSIS, GASTRIC; Gastric Adenocarcinoma and Proximal Polyposis of the Stomach (GAPPS). Identifiers: Orphanet 314022, MedGen C4749917, MONDO:0017790, OMIM 619182.
Desmoid disease, hereditary (DESMD). Also called: FIBROMATOSIS, FAMILIAL INFILTRATIVE. Identifiers: Orphanet 873, MedGen C1851124, OMIM 135290. Disease mechanism: loss of function.
Hepatocellular carcinoma (HCC). Also called: Primary carcinoma of liver; HEPATOMA; LIVER CELL CARCINOMA. Identifiers: Orphanet 88673, MedGen C2239176, MONDO:0007256, OMIM 114550, HP:0001402.
Gastric cancer. Also called: Stomach cancer; Malignant tumor of stomach. Identifiers: MedGen C0024623, MeSH D013274, MONDO:0001056, OMIM 613659, HP:0012126.

Allele frequency attached by ClinVar (database versions not stated): gnomAD 0.00002 and 0.00003; TOPMed 0.00002; 1000 Genomes Project 30x 0.00016; 1000 Genomes Project 0.00020.
gnomAD v4.1: 4 of 1,322,576 alleles (0.0003%); highest among the groups gnomAD compares: African/African-American, 0.0044%; no homozygotes.

Submissions (2):

Labcorp Genetics (formerly Invitae), Labcorp
Classification: Uncertain significance for Familial adenomatous polyposis 1. Last evaluated: 2025-06-25. Review status: criteria provided, single submitter. Criteria: Invitae Variant Classification Sherloc (09022015). Collection method: clinical testing. Allele origin: germline.
Comment: This variant occurs in a non-coding region of the APC gene. It does not change the encoded amino acid sequence of the APC protein. This variant is not present in population databases (gnomAD no frequency). This variant has not been reported in the literature in individuals affected with APC-related conditions. Experimental studies and prediction algorithms are not available or were not evaluated, and the functional significance of this variant is currently unknown. In summary, the available evidence is currently insufficient to determine the role of this variant in disease. Therefore, it has been classified as a Variant of Uncertain Significance.

Fulgent Genetics
Classification: Uncertain significance for Colorectal cancer; Hepatocellular carcinoma; Desmoid disease, hereditary; Familial adenomatous polyposis 1; Gastric cancer; Gastric adenocarcinoma and proximal polyposis of the stomach. Last evaluated: 2021-10-19. Review status: criteria provided, single submitter. Criteria: ACMG Guidelines, 2015. Collection method: clinical testing. Allele origin: unknown.

NM_001127511.3(APC):c.-88T>G

Gene: APC (APC regulator of Wnt signaling pathway; plus strand). Cytogenetic location: 5q22.2.
Variant type: single nucleotide variant.
Coding change: c.-88T>G on transcript NM_001127511.3; 88 bases upstream of the start codon, T replaced by G.
Molecular consequence: 5 prime UTR variant. On other transcripts: genic upstream transcript variant (1).
Genome position (GRCh38, 1-based): chr5:112,707,630, T>G. VCF-style: chr5-112707630-T-G. GRCh37 (hg19) VCF-style: chr5-112043327-T-G.
Other names: c.-271T>G (NM_001354895.2, NM_001407447.1, NM_001407452.1 and 3 more transcripts); c.-88T>G (NM_001354897.2, NM_001354902.2, NM_001407446.1); c.-38T>G (NM_001407448.1, NM_001407450.1, NM_001407457.1 and 1 more transcripts); c.-62T>G (NM_001407453.1); c.-1306T>G (NM_001407470.1, NM_001407472.1); c.-30314T>G (NM_000038.6).
Identifiers: ClinVar variation 1010774 (VCV001010774.9), dbSNP rs531931776, ClinGen allele CA124925050.